The following is an entry in ClinVar:

ClinVar aggregate classification (germline): Likely pathogenic (1 of 4 stars; one submission).

Conditions:
Glutaric aciduria, type 1. Also called: GA I; Glutaric acidemia type I; Glutaricacidemia Type 1; Glutaric Acidemia Type 1; Glutaricaciduria, type I; Glutaryl-CoA dehydrogenase deficiency. Identifiers: Orphanet 25, MedGen C0268595, MONDO:0009281, OMIM 231670.

Submission:

Labcorp Genetics (formerly Invitae), Labcorp
Classification: Likely pathogenic for Glutaric aciduria, type 1. Last evaluated: 2022-10-03. Review status: criteria provided, single submitter. Criteria: Invitae Variant Classification Sherloc (09022015). Collection method: clinical testing. Allele origin: germline.
Comment: In summary, the currently available evidence indicates that the variant is pathogenic, but additional data are needed to prove that conclusively. Therefore, this variant has been classified as Likely Pathogenic. This variant disrupts the p.Pro53 amino acid residue in GCDH. Other variant(s) that disrupt this residue have been determined to be pathogenic (PMID: 15505393, 22728054). This suggests that this residue is clinically significant, and that variants that disrupt this residue are likely to be disease-causing. Advanced modeling of protein sequence and biophysical properties (such as structural, functional, and spatial information, amino acid conservation, physicochemical variation, residue mobility, and thermodynamic stability) performed at Invitae indicates that this missense variant is expected to disrupt GCDH protein function. This variant has not been reported in the literature in individuals affected with GCDH-related conditions. This variant is not present in population databases (gnomAD no frequency). This sequence change replaces proline, which is neutral and non-polar, with leucine, which is neutral and non-polar, at codon 53 of the GCDH protein (p.Pro53Leu).

Literature cited by the submitters: PubMed 15505393; PubMed 22728054.

NM_000159.4(GCDH):c.158C>T (p.Pro53Leu)

Genes: GCDH (glutaryl-CoA dehydrogenase; plus strand), LOC117125594 (CRISPRi-FlowFISH-validated KLF1 regulatory element; plus strand). Cytogenetic location: 19p13.13.
Variant type: single nucleotide variant.
Coding change: c.158C>T on transcript NM_000159.4 (MANE Select); coding-DNA position 158, C replaced by T.
Protein change: p.Pro53Leu; replaces proline 53 with leucine.
Molecular consequence: missense variant. On other transcripts: non-coding transcript variant (2).
Genome position (GRCh38, 1-based): chr19:12,891,861, C>T. VCF-style: chr19-12891861-C-T. GRCh37 (hg19) VCF-style: chr19-13002675-C-T.
Other names: c.158C>T, p.Pro53Leu (NM_013976.5); short protein forms P53L.
Identifiers: ClinVar variation 2033797 (VCV002033797.4), dbSNP rs2512564831, ClinGen allele CA404314897.
Genomic context (GRCh38, chr19:12,891,861, plus strand): 5'-GACTGGACCGAGGCGAATTCCCCTTCCCAGCCTCGCGTCCCGAGTTTGACTGGCAGGACC[C>T]GCTGGTGCTGGAGGAGCAGCTGACCACAGATGAGATCCTCATCAGGGACACCTTCCGCAC-3'
Protein context (NP_000150.1, residues 43-63): SSRPEFDWQD[Pro53Leu]LVLEEQLTTD